The following is an entry in ClinVar:

NM_004995.4(MMP14):c.855T>C (p.Gly285=)

Gene: MMP14 (matrix metallopeptidase 14; plus strand). Cytogenetic location: 14q11.2.
Variant type: single nucleotide variant.
Coding change: c.855T>C on transcript NM_004995.4 (MANE Select); coding-DNA position 855, T replaced by C.
Protein change: p.Gly285=; no amino-acid change (glycine 285 retained).
Molecular consequence: synonymous variant.
Genome position (GRCh38, 1-based): chr14:22,843,714, T>C. VCF-style: chr14-22843714-T-C. GRCh37 (hg19) VCF-style: chr14-23312923-T-C.
Identifiers: ClinVar variation 1177852 (VCV001177852.14), dbSNP rs2236307, ClinGen allele CA7105295.

ClinVar aggregate classification (germline): Benign. Review status: criteria provided, multiple submitters, no conflicts (2 of 4 stars). 4 submissions from 4 submitters: Benign (3). 1 of the submissions does not count toward it. Last evaluated 2026-02-04.

Conditions:
MMP14-related disorder. Also called: MMP14-related condition.

Allele frequency attached by ClinVar (database versions not stated): gnomAD exomes 0.21171 and 0.21661; ExAC 0.22499; gnomAD 0.23780 and 0.23799; ESP Exome Variant Server 0.24289; TOPMed 0.24492; 1000 Genomes Project 30x 0.27124; 1000 Genomes Project 0.27157.
gnomAD v4.1: 340,436 of 1,585,932 alleles (21%); highest among the groups gnomAD compares: East Asian, 38%; 38,274 homozygotes.

Submissions (5):

Labcorp Genetics (formerly Invitae), Labcorp
Classification: Benign. Last evaluated: 2026-02-04. Review status: criteria provided, single submitter. Criteria: Invitae Variant Classification Sherloc (09022015). Collection method: clinical testing. Allele origin: germline.

GeneDx
Classification: Benign. Last evaluated: 2021-05-04. Review status: criteria provided, single submitter. Criteria: GeneDx Variant Classification Process June 2021. Collection method: clinical testing. Allele origin: germline. Affected: yes.

Breakthrough Genomics
Classification: Benign. Review status: criteria provided, single submitter. Criteria: ACMG Guidelines, 2015. Collection method: not provided. Allele origin: germline. Inheritance: Unknown mechanism. Affected: yes.

PreventionGenetics, part of Exact Sciences
Classification: Benign for MMP14-related condition. Last evaluated: 2019-11-12. Review status: no assertion criteria provided. Collection method: clinical testing. Allele origin: germline. Not counted in ClinVar's aggregate classification.
Comment: This variant is classified as benign based on ACMG/AMP sequence variant interpretation guidelines (Richards et al. 2015 PMID: 25741868, with internal and published modifications).

Dr. Peter K. Rogan Lab, Western University
No classification provided (evidence only). Condition: Familial cancer of breast. Review status: no classification provided. Collection method: in vitro. Allele origin: not applicable. Functional consequence: retained intron. Not counted in ClinVar's aggregate classification.